The following is an entry in ClinVar:

NM_017780.4(CHD7):c.8699C>T (p.Pro2900Leu)

Gene: CHD7 (chromodomain helicase DNA binding protein 7; plus strand). Cytogenetic location: 8q12.2.
Variant type: single nucleotide variant.
Coding change: c.8699C>T on transcript NM_017780.4 (MANE Select); coding-DNA position 8699, C replaced by T.
Protein change: p.Pro2900Leu; replaces proline 2900 with leucine.
Molecular consequence: missense variant.
Genome position (GRCh38, 1-based): chr8:60,865,638, C>T. VCF-style: chr8-60865638-C-T. GRCh37 (hg19) VCF-style: chr8-61778197-C-T.
Other names: c.2552C>T, p.Pro851Leu (NM_001316690.1); short protein forms P851L, P2900L.
Identifiers: ClinVar variation 3713636 (VCV003713636.2).

ClinVar aggregate classification (germline): Uncertain significance (1 of 4 stars; one submission).

Conditions:
CHARGE syndrome (CHARGE). Also called: Hittner Hirsch Kreh syndrome; CHARGE ASSOCIATION--COLOBOMA, HEART ANOMALY, CHOANAL ATRESIA, RETARDATION, GENITAL AND EAR ANOMALIES; Coloboma, heart anomaly, choanal atresia, retardation, genital and ear anomalies; CHARGE association; Hall-Hittner syndrome. Identifiers: Orphanet 138, MedGen C0265354, MONDO:0008965.

gnomAD v4.1: 13 of 1,611,676 alleles (0.00081%); highest among the groups gnomAD compares: East Asian, 0.0067%; 1 homozygote.

Submission:

Labcorp Genetics (formerly Invitae), Labcorp
Classification: Uncertain significance for CHARGE syndrome. Last evaluated: 2024-05-06. Review status: criteria provided, single submitter. Criteria: Invitae Variant Classification Sherloc (09022015). Collection method: clinical testing. Allele origin: germline.
Comment: This sequence change replaces proline, which is neutral and non-polar, with leucine, which is neutral and non-polar, at codon 2900 of the CHD7 protein (p.Pro2900Leu). This variant is present in population databases (rs780993039, gnomAD 0.004%). This variant has not been reported in the literature in individuals affected with CHD7-related conditions. Advanced modeling of protein sequence and biophysical properties (such as structural, functional, and spatial information, amino acid conservation, physicochemical variation, residue mobility, and thermodynamic stability) has been performed at Invitae for this missense variant, however the output from this modeling did not meet the statistical confidence thresholds required to predict the impact of this variant on CHD7 protein function. In summary, the available evidence is currently insufficient to determine the role of this variant in disease. Therefore, it has been classified as a Variant of Uncertain Significance.